The following is an entry in ClinVar:

NM_004360.5(CDH1):c.2018del (p.Gln673fs)

Gene: CDH1 (cadherin 1; plus strand). Cytogenetic location: 16q22.1.
Variant type: Deletion.
Coding change: c.2018del on transcript NM_004360.5 (MANE Select); coding-DNA position 2018, one base deleted (A; older notation c.2018delA).
Protein change: p.Gln673fs; shifts the reading frame from glutamine 673.
Molecular consequence: frameshift variant.
Genome position (GRCh38, 1-based): chr16:68,823,480, A deleted. VCF-style (leftmost placement, unchanged base first): chr16-68823479-CA-C. GRCh37 (hg19) VCF-style: chr16-68857382-CA-C.
Other names: c.1835del, p.Gln612fs (NM_001317184.2); c.470del, p.Gln157fs (NM_001317185.2); c.53del, p.Gln18fs (NM_001317186.2); short protein forms Q673fs, Q157fs, Q18fs, Q612fs.
Identifiers: ClinVar variation 945353 (VCV000945353.8), dbSNP rs1961229029, ClinGen allele CA1139664766.
Genomic context (GRCh38, chr16:68,823,479, plus strand): 5'-AAGCCAAAGATGGCCTTAGAGGTGGGTGACTACAAAATCAATCTCAAGCTCATGGATAAC[CA>C]GAATAAAGACCAAGTGACCACCTTAGAGGTCAGCGTGTGTGACTGTGAAGGGGCCGCTGG-3'

ClinVar aggregate classification (germline): Pathogenic (1 of 4 stars; one submission).

Conditions:
Hereditary diffuse gastric adenocarcinoma (HDGC). Also called: DIFFUSE GASTRIC AND LOBULAR BREAST CANCER SYNDROME. Identifiers: Orphanet 26106, MedGen C1708349, MONDO:0007648, OMIM 137215.

Submission:

Labcorp Genetics (formerly Invitae), Labcorp
Classification: Pathogenic for Hereditary diffuse gastric adenocarcinoma. Last evaluated: 2019-08-23. Review status: criteria provided, single submitter. Criteria: Invitae Variant Classification Sherloc (09022015). Collection method: clinical testing. Allele origin: germline.
Comment: For these reasons, this variant has been classified as Pathogenic. Loss-of-function variants in CDH1 are known to be pathogenic (PMID: 15235021, 20373070). This variant has not been reported in the literature in individuals with CDH1-related conditions. This variant is not present in population databases (ExAC no frequency). This sequence change creates a premature translational stop signal (p.Gln673Argfs*6) in the CDH1 gene. It is expected to result in an absent or disrupted protein product.

Literature cited by the submitters: PubMed 15235021; PubMed 20373070.